The following is an entry in ClinVar:

ClinVar aggregate classification (germline): Pathogenic (1 of 4 stars; one submission).

Submission:

Labcorp Genetics (formerly Invitae), Labcorp
Classification: Pathogenic. Last evaluated: 2022-01-12. Review status: criteria provided, single submitter. Criteria: Invitae Variant Classification Sherloc (09022015). Collection method: clinical testing. Allele origin: germline.
Comment: For these reasons, this variant has been classified as Pathogenic. This variant has not been reported in the literature in individuals affected with CLCN5-related conditions. This variant is not present in population databases (gnomAD no frequency). This sequence change creates a premature translational stop signal (p.Glu627Glyfs*51) in the CLCN5 gene. It is expected to result in an absent or disrupted protein product. Loss-of-function variants in CLCN5 are known to be pathogenic (PMID: 22876375, 25907713).

Literature cited by the submitters: PubMed 22876375; PubMed 25907713.

NM_001127898.4(CLCN5):c.2090del (p.Glu697fs)

Genes: CLCN5 (chloride voltage-gated channel 5; plus strand), LOC126863258 (BRD4-independent group 4 enhancer GRCh37_chrX:49854497-49855696; plus strand). Cytogenetic location: Xp11.23.
Variant type: Deletion.
Coding change: c.2090del on transcript NM_001127898.4 (MANE Select); coding-DNA position 2090, one base deleted (A; older notation c.2090delA).
Protein change: p.Glu697fs; shifts the reading frame from glutamic acid 697.
Molecular consequence: frameshift variant.
Genome position (GRCh38, 1-based): chrX:50,090,461, A deleted. VCF-style (leftmost placement, unchanged base first): chrX-50090460-GA-G. GRCh37 (hg19) VCF-style: chrX-49855117-GA-G.
Other names: c.1940del, p.Glu647fs (NM_001282163.2); c.2090del, p.Glu697fs (NM_001127899.4); c.1880del, p.Glu627fs (NM_000084.5); short protein forms E697fs, E647fs, E627fs.
Identifiers: ClinVar variation 2080805 (VCV002080805.4), dbSNP rs2519445644, ClinGen allele CA2580101136.
Genomic context (GRCh38, chrX:50,090,460, plus strand): 5'-GATGTAGAGACCATAATCAGTGAAACCACTTACAGTGGCTTCCCAGTGGTGGTATCCCGG[GA>G]GTCCCAAAGACTTGTGGGCTTTGTCCTCCGAAGAGATCTCATTATTTCAATTGGTAAGGA-3'